The following is an entry in ClinVar:

ClinVar aggregate classification (germline): Uncertain significance (1 of 4 stars; one submission).

Conditions:
Neuronal ceroid lipofuscinosis. Also called: Neuronal Ceroid Lipofuscinoses. Identifiers: Orphanet 216, Orphanet 79263, MedGen C0027877, MONDO:0016295. Disease mechanism: loss of function.

gnomAD v4.1: 2 of 1,614,278 alleles (0.00012%); highest among the groups gnomAD compares: Non-Finnish European, 0.00017%; no homozygotes.

Submission:

Labcorp Genetics (formerly Invitae), Labcorp
Classification: Uncertain significance for Neuronal ceroid lipofuscinosis. Last evaluated: 2022-06-13. Review status: criteria provided, single submitter. Criteria: Invitae Variant Classification Sherloc (09022015). Collection method: clinical testing. Allele origin: germline.
Comment: This variant is not present in population databases (gnomAD no frequency). This sequence change replaces glutamine, which is neutral and polar, with histidine, which is basic and polar, at codon 194 of the CLN8 protein (p.Gln194His). This variant has not been reported in the literature in individuals affected with CLN8-related conditions. ClinVar contains an entry for this variant (Variation ID: 940235). Advanced modeling of protein sequence and biophysical properties (such as structural, functional, and spatial information, amino acid conservation, physicochemical variation, residue mobility, and thermodynamic stability) performed at Invitae indicates that this missense variant is expected to disrupt CLN8 protein function. In summary, the available evidence is currently insufficient to determine the role of this variant in disease. Therefore, it has been classified as a Variant of Uncertain Significance.

NM_018941.4(CLN8):c.582G>C (p.Gln194His)

Gene: CLN8 (CLN8 transmembrane ER and ERGIC protein; plus strand). Cytogenetic location: 8p23.3.
Variant type: single nucleotide variant.
Coding change: c.582G>C on transcript NM_018941.4 (MANE Select); coding-DNA position 582, G replaced by C.
Protein change: p.Gln194His; replaces glutamine 194 with histidine.
Molecular consequence: missense variant.
Genome position (GRCh38, 1-based): chr8:1,780,288, G>C. VCF-style: chr8-1780288-G-C. GRCh37 (hg19) VCF-style: chr8-1728454-G-C.
Other names: short protein forms Q194H.
Identifiers: ClinVar variation 940235 (VCV000940235.7), dbSNP rs139824802, ClinGen allele CA369953883.
Genomic context (GRCh38, chr8:1,780,288, plus strand): 5'-CATTTGTCTTCTCTCCATGCAGGCGGGCTGGTCCGAGTCTCTGTTTTGGAAGCTCAACCA[G>C]TGGCTGATGATTCACATGTTTCACTGCCGCATGGTTCTAACCTACCACATGTGGTGGGTG-3'
Protein context (NP_061764.2, residues 184-204): WSESLFWKLN[Gln194His]WLMIHMFHCR